The following is an entry in ClinVar:

ClinVar aggregate classification (germline): Uncertain significance (1 of 4 stars; one submission).

Allele frequency attached by ClinVar (database versions not stated): ExAC 0.00099.

Submission:

Labcorp Genetics (formerly Invitae), Labcorp
Classification: Uncertain significance. Last evaluated: 2023-05-27. Review status: criteria provided, single submitter. Criteria: Invitae Variant Classification Sherloc (09022015). Collection method: clinical testing. Allele origin: germline.
Comment: This sequence change falls in intron 10 of the DDX58 gene. It does not directly change the encoded amino acid sequence of the DDX58 protein. It affects a nucleotide within the consensus splice site. The frequency data for this variant in the population databases is considered unreliable, as metrics indicate poor data quality at this position in the gnomAD database. This variant has not been reported in the literature in individuals affected with DDX58-related conditions. Variants that disrupt the consensus splice site are a relatively common cause of aberrant splicing (PMID: 17576681, 9536098). Algorithms developed to predict the effect of sequence changes on RNA splicing suggest that this variant may disrupt the consensus splice site. In summary, the available evidence is currently insufficient to determine the role of this variant in disease. Therefore, it has been classified as a Variant of Uncertain Significance.

Literature cited by the submitters: PubMed 17576681; PubMed 9536098.

NM_014314.4(RIGI):c.1481-3C>A

Gene: RIGI (RNA sensor RIG-I; minus strand). Cytogenetic location: 9p21.1.
Variant type: single nucleotide variant.
Coding change: c.1481-3C>A on transcript NM_014314.4 (MANE Select); 3 bases into the intron before coding-DNA position 1481, C replaced by A.
Molecular consequence: intron variant.
Genome position (GRCh38, 1-based): chr9:32,481,500, G>T on the plus strand (C>A on the coding strand, the complement: RIGI is on the minus strand). VCF-style: chr9-32481500-G-T. GRCh37 (hg19) VCF-style: chr9-32481498-G-T.
Other names: c.872-3C>A (NM_001385912.1); c.1466-3C>A (NM_001385913.1); c.1475-3C>A (NM_001385907.1); c.1481-3C>A (NM_001385909.1); c.1037-3C>A (NM_001385914.1); c.1040-3C>A (NM_001385910.1).
Identifiers: ClinVar variation 2740837 (VCV002740837.3), dbSNP rs752109554, ClinGen allele CA5019771.